The following is an entry in ClinVar:

ClinVar aggregate classification (germline): Uncertain significance (1 of 4 stars; one submission).

Conditions:
Malignant hyperthermia, susceptibility to, 1 (MHS1). Also called: RYR1-Related Malignant Hyperthermia Susceptibility; Malignant hyperthermia suceptibility 1; Anesthesia related hyperthermia; Malignant hyperpyrexia; Fulminating hyperpyrexia; Pharmacogenic myopathy. Identifiers: Orphanet 423, MedGen C2930980, MONDO:0007783, OMIM 145600.

Submission:

Color Diagnostics, LLC DBA Color Health
Classification: Uncertain significance for Malignant hyperthermia, susceptibility to, 1. Last evaluated: 2025-06-23. Review status: criteria provided, single submitter. Criteria: ACMG Guidelines, 2015. Collection method: clinical testing. Allele origin: germline.
Comment: This missense variant replaces lysine with glutamic acid at codon 2076 of the RYR1 protein. Computational prediction suggests that this variant may not impact protein structure and function. To our knowledge, functional studies have not been reported for this variant. This variant has not been reported in individuals affected with RYR1-related disorders in the literature. This variant has been identified in 1/250828 chromosomes in the general population by the Genome Aggregation Database (gnomAD). The available evidence is insufficient to determine the role of this variant in disease conclusively. Therefore, this variant is classified as a Variant of Uncertain Significance.

NM_000540.3(RYR1):c.6226A>G (p.Lys2076Glu)

Gene: RYR1 (ryanodine receptor 1; plus strand). Cytogenetic location: 19q13.2.
Variant type: single nucleotide variant.
Coding change: c.6226A>G on transcript NM_000540.3 (MANE Select); coding-DNA position 6226, A replaced by G.
Protein change: p.Lys2076Glu; replaces lysine 2076 with glutamic acid.
Molecular consequence: missense variant.
Genome position (GRCh38, 1-based): chr19:38,492,588, A>G. VCF-style: chr19-38492588-A-G. GRCh37 (hg19) VCF-style: chr19-38983228-A-G.
Other names: c.6226A>G, p.Lys2076Glu (NM_001042723.2); short protein forms K2076E.
Identifiers: ClinVar variation 4757317 (VCV004757317.1).
Genomic context (GRCh38, chr19:38,492,588, plus strand): 5'-GAGACCACCCTGGGCAGCCGCCTCATGAGCCTGTTGGAGAAAGTGCGGCTGGTGAAGAAG[A>G]AGGAAGAGAAACCTGAGGAGGAGCGGTCAGCAGAGGAGAGCAAACCCCGTGAGGACTGGG-3'
Protein context (NP_000531.2, residues 2066-2086): LLEKVRLVKK[Lys2076Glu]EEKPEEERSA